The following is an entry in ClinVar:

NM_004462.5(FDFT1):c.747G>A (p.Pro249=)

Gene: FDFT1 (farnesyl-diphosphate farnesyltransferase 1). Cytogenetic location: 8p23.1.
Variant type: single nucleotide variant.
Coding change: c.747G>A on transcript NM_004462.5 (MANE Select); coding-DNA position 747, G replaced by A.
Protein change: p.Pro249=; no amino-acid change (proline 249 retained).
Molecular consequence: synonymous variant.
Genome position (GRCh38, 1-based): chr8:11,830,288, G>A. VCF-style: chr8-11830288-G-A. GRCh37 (hg19) VCF-style: chr8-11687797-G-A.
Other names: c.555G>A, p.Pro185= (NM_001287748.2, NM_001287749.2, NM_001287744.2 and 2 more transcripts); c.924G>A, p.Pro308= (NM_001287750.2); c.492G>A, p.Pro164= (NM_001287751.2); c.246G>A, p.Pro82= (NM_001287756.2); c.747G>A, p.Pro249= (NM_001287742.2, NM_001287743.2).
Identifiers: ClinVar variation 3049597 (VCV003049597.21), dbSNP rs146586993, ClinGen allele CA4631976.
Genomic context (GRCh38, chr8:11,830,288, plus strand): 5'-CTTCTTATCTGTCTAGGTTTGGAGCAGGTATGTTAAGAAGTTAGGGGATTTTGCTAAGCC[G>A]GAGAATATTGACTTGGCCGTGCAGTGCCTGAATGAACTTATAACCAATGCACTGCACCAC-3'
Protein context (NP_004453.3, residues 239-259): YVKKLGDFAK[Pro249=]ENIDLAVQCL

ClinVar aggregate classification (germline): Benign/Likely benign. Review status: criteria provided, multiple submitters, no conflicts (2 of 4 stars). 3 submissions from 3 submitters: Benign (1); Likely benign (1). 1 of the submissions does not count toward it. Last evaluated 2024-11-19.

Conditions:
FDFT1-related disorder. Also called: FDFT1-related condition.

Allele frequency attached by ClinVar (database versions not stated): TOPMed 0.00051; ESP Exome Variant Server 0.00054; gnomAD 0.00085; gnomAD exomes 0.00131; ExAC 0.00184; 1000 Genomes Project 30x 0.00203; 1000 Genomes Project 0.00220.
gnomAD v4.1: 2,062 of 1,613,946 alleles (0.13%); highest among the groups gnomAD compares: South Asian, 1%; 14 homozygotes.

Submissions (3):

Blueprint Genetics
Classification: Likely benign. Last evaluated: 2024-11-19. Review status: criteria provided, single submitter. Criteria: ACMG Guidelines, 2015. Collection method: clinical testing. Allele origin: germline.

CeGaT Center for Human Genetics Tuebingen
Classification: Benign. Last evaluated: 2024-05-01. Review status: criteria provided, single submitter. Criteria: CeGaT Center For Human Genetics Tuebingen Variant Classification Criteria Version 2. Collection method: clinical testing. Allele origin: germline. Affected: yes. Observed: 1 variant allele.
Comment: FDFT1: BP4, BP7, BS1, BS2

PreventionGenetics, part of Exact Sciences
Classification: Benign for FDFT1-related condition. Last evaluated: 2019-02-18. Review status: no assertion criteria provided. Collection method: clinical testing. Allele origin: germline. Not counted in ClinVar's aggregate classification.
Comment: This variant is classified as benign based on ACMG/AMP sequence variant interpretation guidelines (Richards et al. 2015 PMID: 25741868, with internal and published modifications).